The following is an entry in ClinVar:

ClinVar aggregate classification (germline): Pathogenic/Likely pathogenic. Review status: criteria provided, multiple submitters, no conflicts (2 of 4 stars). 2 submissions from 2 submitters: Pathogenic (1); Likely pathogenic (1). Last evaluated 2026-06-12.

Conditions:
Breast-ovarian cancer, familial, susceptibility to, 2 (BROVCA2). Also called: BRCA2 Hereditary Breast and Ovarian Cancer. Identifiers: Orphanet 145, MedGen C2675520, MONDO:0012933, OMIM 612555. Disease mechanism: loss of function.
Hereditary breast ovarian cancer syndrome. Also called: Hereditary breast and/or ovarian cancer syndrome; BRCA1- and BRCA2-Associated Hereditary Breast and Ovarian Cancer; Hereditary breast and ovarian cancer syndrome; Hereditary breast and ovarian cancer; Hereditary breast and ovarian cancer syndrome (HBOC); Breast and ovarian cancer. Identifiers: Orphanet 145, MedGen C0677776, MeSH D061325, MONDO:0003582. Disease mechanism: loss of function.

Submissions (2):

Foundation for Research in Genetics and Endocrinology, FRIGE's Institute of Human Genetics
Classification: Likely pathogenic for Breast-ovarian cancer, familial, susceptibility to, 2. Last evaluated: 2026-06-12. Review status: criteria provided, single submitter. Criteria: ACMG Guidelines, 2015. Collection method: clinical testing. Allele origin: germline. Inheritance: Autosomal dominant inheritance. Affected: yes. Observed: 1 variant allele, 1 heterozygote.
Comment: Two heterozygous variants c.1731G>A (p.Ser577=) in exon 15 of the MLH1 gene and c.1271C>A (p.Ser424Ter) in exon 10 of the BRCA2 gene were identified. The c.1731G>A variant is documented as pathogenic in hereditary cancer predisposing syndrome in the ClinVar database [VCV002736861.3]. Functional studies indicate this variant affects mRNA splicing, resulting in a complete skipping of exon 15. Another nucleotide change (c.1731G>T) affecting the same codon (p.Ser577=) is reported as pathogenic/likely pathogenic in hereditary cancer predisposing syndrome in the ClinVar [VCV000525656.8] database. It lies in the DNA mismatch repair protein Mlh1 C-terminus domain of the MLH1_HUMAN protein [PF16413]. The c.1271C>A variant is documented as pathogenic in hereditary breast and ovarian cancer syndrome in the ClinVar database [VCV002736861.3]. Both these variants have not been reported in 1000 genomes, gnomAD (v3.1), gnomAD (v2.1), and topmed databases.

Labcorp Genetics (formerly Invitae), Labcorp
Classification: Pathogenic for Hereditary breast ovarian cancer syndrome. Last evaluated: 2023-07-07. Review status: criteria provided, single submitter. Criteria: Invitae Variant Classification Sherloc (09022015). Collection method: clinical testing. Allele origin: germline.
Comment: This sequence change creates a premature translational stop signal (p.Ser424*) in the BRCA2 gene. It is expected to result in an absent or disrupted protein product. Loss-of-function variants in BRCA2 are known to be pathogenic (PMID: 20104584). This variant is not present in population databases (gnomAD no frequency). For these reasons, this variant has been classified as Pathogenic. This variant has not been reported in the literature in individuals affected with BRCA2-related conditions.

Literature cited by the submitters: PubMed 20104584 (cited by Labcorp Genetics (formerly Invitae), Labcorp).

NM_000059.4(BRCA2):c.1271C>A (p.Ser424Ter)

Gene: BRCA2 (BRCA2 DNA repair associated; plus strand). Cytogenetic location: 13q13.1.
Variant type: single nucleotide variant.
Coding change: c.1271C>A on transcript NM_000059.4 (MANE Select); coding-DNA position 1271, C replaced by A.
Protein change: p.Ser424Ter; replaces serine 424 with a stop codon.
Molecular consequence: nonsense. On other transcripts: non-coding transcript variant (1), intron variant (1).
Genome position (GRCh38, 1-based): chr13:32,332,749, C>A. VCF-style: chr13-32332749-C-A. GRCh37 (hg19) VCF-style: chr13-32906886-C-A.
Other names: p.Ser424Ter; c.1271C>A (NM_001432077.1); c.1271C>A, p.Ser424Ter (NM_001406719.1, NM_001406720.1, NM_001406721.1); c.424+1719C>A (NM_001406722.1); short protein forms S424*.
Identifiers: ClinVar variation 2736861 (VCV002736861.4), dbSNP rs1566223138, ClinGen allele CA387762380.